The following is an entry in ClinVar:

ClinVar aggregate classification (germline): Uncertain significance. Review status: criteria provided, multiple submitters, no conflicts (2 of 4 stars). 3 submissions from 3 submitters: Uncertain significance (3). Last evaluated 2025-12-07.

Conditions:
Cohen syndrome (COH1). Also called: PEPPER SYNDROME; Cutis verticis gyrata, retinitis pigmentosa, and sensorineural deafness. Identifiers: Orphanet 193, MedGen C0265223, MONDO:0008999, OMIM 216550.
VPS13B-related disorder. Also called: VPS13B-related condition.
Inborn genetic diseases. Identifiers: MedGen C0950123, MeSH D030342.

Allele frequency attached by ClinVar (database versions not stated): gnomAD exomes below 0.00001 and 0.00001; TOPMed below 0.00001; gnomAD 0.00001; ExAC 0.00002.
gnomAD v4.1: 6 of 1,613,766 alleles (0.00037%); highest among the groups gnomAD compares: Non-Finnish European, 0.00042%; no homozygotes.

Submissions (3):

PreventionGenetics, part of Exact Sciences
Classification: Uncertain significance for VPS13B-related condition. Last evaluated: 2025-12-07. Review status: criteria provided, single submitter. Criteria: ACMG Guidelines, 2015. Collection method: clinical testing. Allele origin: germline.
Comment: The VPS13B c.6527G>A variant is predicted to result in the amino acid substitution p.Ser2176Asn. To our knowledge, this variant has not been reported in the literature. This variant is reported in 0.0031% of alleles in individuals of European (Non-Finnish) descent in gnomAD. At this time, the clinical significance of this variant is uncertain due to the absence of conclusive functional and genetic evidence.

Labcorp Genetics (formerly Invitae), Labcorp
Classification: Uncertain significance for Cohen syndrome. Last evaluated: 2022-01-14. Review status: criteria provided, single submitter. Criteria: Invitae Variant Classification Sherloc (09022015). Collection method: clinical testing. Allele origin: germline.
Comment: This sequence change replaces serine, which is neutral and polar, with asparagine, which is neutral and polar, at codon 2201 of the VPS13B protein (p.Ser2201Asn). This variant is present in population databases (rs767664311, gnomAD 0.002%). This variant has not been reported in the literature in individuals affected with VPS13B-related conditions. Algorithms developed to predict the effect of missense changes on protein structure and function output the following: SIFT: "Not Available"; PolyPhen-2: "Benign"; Align-GVGD: "Not Available". The asparagine amino acid residue is found in multiple mammalian species, which suggests that this missense change does not adversely affect protein function. In summary, the available evidence is currently insufficient to determine the role of this variant in disease. Therefore, it has been classified as a Variant of Uncertain Significance.

Ambry Genetics
Classification: Uncertain significance for Inborn genetic diseases. Last evaluated: 2021-04-09. Review status: criteria provided, single submitter. Criteria: Ambry Variant Classification Scheme 2023. Collection method: clinical testing. Allele origin: germline.

NM_152564.5(VPS13B):c.6527G>A (p.Ser2176Asn)

Gene: VPS13B (vacuolar protein sorting 13 homolog B; plus strand). Cytogenetic location: 8q22.2.
Variant type: single nucleotide variant.
Coding change: c.6527G>A on transcript NM_152564.5 (MANE Select); coding-DNA position 6527, G replaced by A.
Protein change: p.Ser2176Asn; replaces serine 2176 with asparagine.
Molecular consequence: missense variant.
Genome position (GRCh38, 1-based): chr8:99,717,243, G>A. VCF-style: chr8-99717243-G-A. GRCh37 (hg19) VCF-style: chr8-100729471-G-A.
Other names: c.6602G>A (NM_017890.3); c.6602G>A, p.Ser2201Asn (NM_017890.5); c.6527G>A (NM_152564.4); short protein forms S2176N, S2201N.
Identifiers: ClinVar variation 1444708 (VCV001444708.6), dbSNP rs767664311, ClinGen allele CA4824019.